The following is an entry in ClinVar:

NM_003680.4(YARS1):c.591+3G>C

Gene: YARS1 (tyrosyl-tRNA synthetase 1; minus strand). Cytogenetic location: 1p35.1.
Variant type: single nucleotide variant.
Coding change: c.591+3G>C on transcript NM_003680.4 (MANE Select); 3 bases into the intron after coding-DNA position 591, G replaced by C.
Molecular consequence: intron variant.
Genome position (GRCh38, 1-based): chr1:32,797,760, C>G on the plus strand (G>C on the coding strand, the complement: YARS1 is on the minus strand). VCF-style: chr1-32797760-C-G. GRCh37 (hg19) VCF-style: chr1-33263361-C-G.
Identifiers: ClinVar variation 1681522 (VCV001681522.6), dbSNP rs2148610311, ClinGen allele CA2573132254.

ClinVar aggregate classification (germline): Uncertain significance (1 of 4 stars; one submission).

Conditions:
Charcot-Marie-Tooth disease dominant intermediate C (CMTDIC). Also called: CHARCOT-MARIE-TOOTH NEUROPATHY, DOMINANT INTERMEDIATE C. Identifiers: Orphanet 100045, MedGen C1842237, MONDO:0012012, OMIM 608323.

gnomAD v4.1: 1 of 1,613,688 alleles (0.000062%); highest among the groups gnomAD compares: Non-Finnish European, 0.000085%; no homozygotes.

Submission:

Labcorp Genetics (formerly Invitae), Labcorp
Classification: Uncertain significance for Charcot-Marie-Tooth disease dominant intermediate C. Last evaluated: 2021-07-13. Review status: criteria provided, single submitter. Criteria: Invitae Variant Classification Sherloc (09022015). Collection method: clinical testing. Allele origin: germline.
Comment: In summary, the available evidence is currently insufficient to determine the role of this variant in disease. Therefore, it has been classified as a Variant of Uncertain Significance. Nucleotide substitutions within the consensus splice site are a relatively common cause of aberrant splicing (PMID: 17576681, 9536098). Algorithms developed to predict the effect of sequence changes on RNA splicing suggest that this variant may disrupt the consensus splice site. This variant has not been reported in the literature in individuals affected with YARS-related conditions. This variant is not present in population databases (ExAC no frequency). This sequence change falls in intron 5 of the YARS gene. It does not directly change the encoded amino acid sequence of the YARS protein. It affects a nucleotide within the consensus splice site of the intron.

Literature cited by the submitters: PubMed 17576681; PubMed 9536098.